The following is an entry in ClinVar:

ClinVar aggregate classification (germline): Likely benign (1 of 4 stars; one submission).

Allele frequency attached by ClinVar (database versions not stated): 1000 Genomes Project 30x 0.00094; 1000 Genomes Project 0.00100; TOPMed 0.00226; gnomAD 0.00296; gnomAD exomes 0.00398.
gnomAD v4.1: 1,392 of 398,620 alleles (0.35%); highest among the groups gnomAD compares: Middle Eastern, 0.57%; 9 homozygotes.

Submission:

CeGaT Center for Human Genetics Tuebingen
Classification: Likely benign. Last evaluated: 2026-09-01. Review status: criteria provided, single submitter. Criteria: CeGaT Center For Human Genetics Tuebingen Variant Classification Criteria Version 2. Collection method: clinical testing. Allele origin: germline. Affected: yes. Observed: 39 variant alleles.
Comment: KCNQ1OT1: BS2

NM_000218.3(KCNQ1):c.1514+11391A>G

Genes: KCNQ1 (potassium voltage-gated channel subfamily Q member 1; plus strand), KCNQ1OT1 (KCNQ1 opposite strand/antisense transcript 1; minus strand). Cytogenetic location: 11p15.5.
Variant type: single nucleotide variant.
Coding change: c.1514+11391A>G on transcript NM_000218.3 (MANE Select); 11391 bases into the intron after coding-DNA position 1514, A replaced by G.
Molecular consequence: intron variant.
Genome position (GRCh38, 1-based): chr11:2,673,472, A>G. VCF-style: chr11-2673472-A-G. GRCh37 (hg19) VCF-style: chr11-2694702-A-G.
Other names: c.1244+11391A>G (NM_001406837.1); c.1418+11391A>G (NM_001406836.1); c.974+11391A>G (NM_001406838.1); c.1133+11391A>G (NM_181798.2).
Identifiers: ClinVar variation 2498492 (VCV002498492.28), dbSNP rs528269819, ClinGen allele CA216179281.
Genomic context (GRCh38, chr11:2,673,472, plus strand): 5'-GGCACCAGGCCTGGAGGTTCCAACTTGGTGTTGGGCCTCCTTGAGCCGGAACACCTGAAA[A>G]GCCATACAGACTCCTGCTCATCACAACCACTTGTTGATGCTGACAGCCTGTAGAAAGATT-3'